The following is an entry in ClinVar:

NM_006258.4(PRKG1):c.395A>G (p.Asp132Gly)

Gene: PRKG1 (protein kinase cGMP-dependent 1; plus strand). Cytogenetic location: 10q21.1.
Variant type: single nucleotide variant.
Coding change: c.395A>G on transcript NM_006258.4 (MANE Select); coding-DNA position 395, A replaced by G.
Protein change: p.Asp132Gly; replaces aspartic acid 132 with glycine.
Molecular consequence: missense variant.
Genome position (GRCh38, 1-based): chr10:51,153,247, A>G. VCF-style: chr10-51153247-A-G. GRCh37 (hg19) VCF-style: chr10-52913007-A-G.
Other names: c.350A>G, p.Asp117Gly (LRG_1135t2, NM_001098512.3); c.395A>G, p.Asp132Gly (LRG_1135t1); short protein forms D117G, D132G.
Identifiers: ClinVar variation 451745 (VCV000451745.26), dbSNP rs140871298, ClinGen allele CA5503121.
Genomic context (GRCh38, chr10:51,153,247, plus strand): 5'-CTATCCTTGACAATGACTTTATGAAGAACTTGGAGCTGTCGCAGATCCAGGAGATTGTGG[A>G]TTGTATGTACCCGGTGGAGTATGGCAAGGACAGTTGCATCATCAAAGAAGGAGACGTGGG-3'
Protein context (NP_006249.1, residues 122-142): LELSQIQEIV[Asp132Gly]CMYPVEYGKD

ClinVar aggregate classification (germline): Uncertain significance. Review status: criteria provided, multiple submitters, no conflicts (2 of 4 stars). 3 submissions from 3 submitters: Uncertain significance (3). Last evaluated 2025-04-11.

Conditions:
Aortic aneurysm, familial thoracic 8 (AAT8). Identifiers: MedGen C3809513, MONDO:0014187, OMIM 615436.
Familial thoracic aortic aneurysm and aortic dissection (TAAD). Also called: Thoracic aortic aneurysms and dissections. Identifiers: Orphanet 91387, MedGen C4707243, MONDO:0019625.

Allele frequency attached by ClinVar (database versions not stated): gnomAD 0.00001; gnomAD exomes 0.00004; TOPMed 0.00004; ExAC 0.00006; ESP Exome Variant Server 0.00008.
gnomAD v4.1: 37 of 1,612,466 alleles (0.0023%); highest among the groups gnomAD compares: Admixed American, 0.005%; no homozygotes.

Submissions (3):

Ambry Genetics
Classification: Uncertain significance for Familial thoracic aortic aneurysm and aortic dissection. Last evaluated: 2025-04-11. Review status: criteria provided, single submitter. Criteria: Ambry Variant Classification Scheme 2023. Collection method: clinical testing. Allele origin: germline.

Labcorp Genetics (formerly Invitae), Labcorp
Classification: Uncertain significance for Aortic aneurysm, familial thoracic 8. Last evaluated: 2024-11-22. Review status: criteria provided, single submitter. Criteria: Invitae Variant Classification Sherloc (09022015). Collection method: clinical testing. Allele origin: germline.
Comment: This sequence change replaces aspartic acid, which is acidic and polar, with glycine, which is neutral and non-polar, at codon 132 of the PRKG1 protein (p.Asp132Gly). This variant is present in population databases (rs140871298, gnomAD 0.006%). This variant has not been reported in the literature in individuals affected with PRKG1-related conditions. ClinVar contains an entry for this variant (Variation ID: 451745). An algorithm developed to predict the effect of missense changes on protein structure and function (PolyPhen-2) suggests that this variant¬†is likely to be tolerated. In summary, the available evidence is currently insufficient to determine the role of this variant in disease. Therefore, it has been classified as a Variant of Uncertain Significance.

GeneDx
Classification: Uncertain significance. Last evaluated: 2018-05-16. Review status: criteria provided, single submitter. Criteria: GeneDx Variant Classification (06012015). Collection method: clinical testing. Allele origin: germline. Affected: yes.
Comment: A variant of uncertain significance has been identified in the PRKG1 gene. The D132G variant has not been published as pathogenic or been reported as benign to our knowledge. This variant has been observed in 1/10402 (0.010%) alleles from individuals of African ancestry, 1/11404 (0.009%) alleles from individuals of Latino ancestry, and 5/66650 (0.008%) alleles from individuals of Non-Finnish European ancestry, in large population cohorts (Lek et al., 2016; 1000 Genomes Consortium et al., 2015; Exome Variant Server). The D132G variant is a non-conservative amino acid substitution, which is likely to impact secondary protein structure as these residues differ in polarity, charge, size and/or other properties. Additionally, this substitution occurs at a position that is conserved across species and in silico analysis predicts this variant is probably damaging to the protein structure/function. Nevertheless, this variant has not been observed in a significant number of affected individuals, and it lacks both segregation and functional studies which would further clarify its pathogenicity.